The following is an entry in ClinVar:

NM_001048174.2(MUTYH):c.617T>G (p.Val206Gly)

Gene: MUTYH (mutY DNA glycosylase; minus strand). Cytogenetic location: 1p34.1.
Variant type: single nucleotide variant.
Coding change: c.617T>G on transcript NM_001048174.2 (MANE Select); coding-DNA position 617, T replaced by G.
Protein change: p.Val206Gly; replaces valine 206 with glycine.
Molecular consequence: missense variant. On other transcripts: non-coding transcript variant (2).
Genome position (GRCh38, 1-based): chr1:45,332,478, A>C on the plus strand (T>G on the coding strand, the complement: MUTYH is on the minus strand). VCF-style: chr1-45332478-A-C. GRCh37 (hg19) VCF-style: chr1-45798150-A-C.
Other names: c.617T>G, p.Val206Gly (NM_001048171.2, NM_001048173.2, NM_001293195.2 and 6 more transcripts); c.620T>G, p.Val207Gly (NM_001048172.2, NM_001407071.1, NM_001407078.1 and 1 more transcripts); c.701T>G, p.Val234Gly (NM_001128425.2); c.662T>G, p.Val221Gly (NM_001293190.2); c.650T>G, p.Val217Gly (NM_001293191.2, NM_001407069.1, NM_001407077.1); c.341T>G, p.Val114Gly (NM_001293192.2, NM_001293196.2, NM_001407091.1); c.272T>G, p.Val91Gly (NM_001350650.2, NM_001350651.2, NM_001407082.1); c.533T>G, p.Val178Gly (NM_001407075.1); and 5 more; short protein forms V114G, V213G, V192G, V193G, V207G, V221G, V231G, V234G.
Identifiers: ClinVar variation 1756723 (VCV001756723.3), dbSNP rs2524123374, ClinGen allele CA340134925.

ClinVar aggregate classification (germline): Uncertain significance (1 of 4 stars; one submission).

Conditions:
Hereditary cancer-predisposing syndrome. Also called: Neoplastic Syndromes, Hereditary; Tumor predisposition; Hereditary Cancer Syndrome; Hereditary neoplastic syndrome. Identifiers: Orphanet 140162, MedGen C0027672, MeSH D009386, MONDO:0015356.

Submission:

Ambry Genetics
Classification: Uncertain significance for Hereditary cancer-predisposing syndrome. Last evaluated: 2024-11-08. Review status: criteria provided, single submitter. Criteria: Ambry Variant Classification Scheme 2023. Collection method: clinical testing. Allele origin: germline.
Comment: The p.V234G variant (also known as c.701T>G), located in coding exon 9 of the MUTYH gene, results from a T to G substitution at nucleotide position 701. The valine at codon 234 is replaced by glycine, an amino acid with dissimilar properties. Another alteration at the same codon, p.V234M (c.700G>A), has been detected in conjunction with another MUTYH pathogenic alteration in two individuals who meet clinical criteria for MUTYH-associated polyposis (Ambry internal data). This amino acid position is well conserved in available vertebrate species. In addition, this alteration is predicted to be deleterious by in silico analysis. Based on the available evidence, the clinical significance of this variant remains unclear.

Literature cited by the submitters: PubMed 33343895.